The following is an entry in ClinVar:

NM_177438.3(DICER1):c.1549A>G (p.Ile517Val)

Gene: DICER1 (dicer 1, ribonuclease III; minus strand). Cytogenetic location: 14q32.13.
Variant type: single nucleotide variant.
Coding change: c.1549A>G on transcript NM_177438.3 (MANE Select); coding-DNA position 1549, A replaced by G.
Protein change: p.Ile517Val; replaces isoleucine 517 with valine.
Molecular consequence: missense variant.
Genome position (GRCh38, 1-based): chr14:95,116,656, T>C on the plus strand (A>G on the coding strand, the complement: DICER1 is on the minus strand). VCF-style: chr14-95116656-T-C. GRCh37 (hg19) VCF-style: chr14-95582993-T-C.
Other names: c.1549A>G (NM_177438.2); c.1549A>G, p.Ile517Val (NM_001195573.1, NM_001271282.3, NM_001291628.2 and 1 more transcripts); short protein forms I517V.
Identifiers: ClinVar variation 1407509 (VCV001407509.10), dbSNP rs1892502082, ClinGen allele CA390885107.
Genomic context (GRCh38, chr14:95,116,656, plus strand): 5'-AACGAACCACCAAGTTGCATTTTGGTATATCAACACCCTCTTCTACAATACTTGTTGCAA[T>C]AAGCAGGTTGGTCTCATGTGCTCGAAATTTCCTAAGTACCTGAAAAAAAAAATCCACCAA-3'
Protein context (NP_803187.1, residues 507-527): KFRAHETNLL[Ile517Val]ATSIVEEGVD

ClinVar aggregate classification (germline): Uncertain significance. Review status: criteria provided, multiple submitters, no conflicts (2 of 4 stars). 2 submissions from 2 submitters: Uncertain significance (2). Last evaluated 2025-06-14.

Conditions:
Hereditary cancer-predisposing syndrome. Also called: Neoplastic Syndromes, Hereditary; Hereditary neoplastic syndrome; Hereditary Cancer Syndrome; Tumor predisposition. Identifiers: Orphanet 140162, MedGen C0027672, MeSH D009386, MONDO:0015356.
DICER1-related tumor predisposition. Also called: DICER1 syndrome; DICER1-related pleuropulmonary blastoma cancer predisposition syndrome. Identifiers: Orphanet 284343, MedGen C3839822, MONDO:0100216.

Allele frequency attached by ClinVar (database versions not stated): gnomAD exomes below 0.00001.
gnomAD v4.1: 1 of 1,613,680 alleles (0.000062%); highest among the groups gnomAD compares: Non-Finnish European, 0.000085%; no homozygotes.

Submissions (2):

Ambry Genetics
Classification: Uncertain significance for Hereditary cancer-predisposing syndrome. Last evaluated: 2025-06-14. Review status: criteria provided, single submitter. Criteria: Ambry Variant Classification Scheme 2023. Collection method: clinical testing. Allele origin: germline.
Comment: The p.I517V variant (also known as c.1549A>G), located in coding exon 9 of the DICER1 gene, results from an A to G substitution at nucleotide position 1549. The isoleucine at codon 517 is replaced by valine, an amino acid with highly similar properties. This amino acid position is conserved. In addition, this alteration is predicted to be tolerated by in silico analysis. Based on the available evidence, the clinical significance of this variant remains unclear.

Labcorp Genetics (formerly Invitae), Labcorp
Classification: Uncertain significance for DICER1-related tumor predisposition. Last evaluated: 2021-02-05. Review status: criteria provided, single submitter. Criteria: Invitae Variant Classification Sherloc (09022015). Collection method: clinical testing. Allele origin: germline.
Comment: In summary, the available evidence is currently insufficient to determine the role of this variant in disease. Therefore, it has been classified as a Variant of Uncertain Significance. Algorithms developed to predict the effect of missense changes on protein structure and function (SIFT, PolyPhen-2, Align-GVGD) all suggest that this variant is likely to be disruptive, but these predictions have not been confirmed by published functional studies and their clinical significance is uncertain. This variant has not been reported in the literature in individuals with DICER1-related conditions. This variant is not present in population databases (ExAC no frequency). This sequence change replaces isoleucine with valine at codon 517 of the DICER1 protein (p.Ile517Val). The isoleucine residue is highly conserved and there is a small physicochemical difference between isoleucine and valine.